The following is an entry in ClinVar:

ClinVar aggregate classification (germline): Uncertain significance. Review status: criteria provided, multiple submitters, no conflicts (2 of 4 stars). 2 submissions from 2 submitters: Uncertain significance (2). Last evaluated 2026-01-27.

Allele frequency attached by ClinVar (database versions not stated): gnomAD exomes 0.00006; ExAC 0.00014; 1000 Genomes Project 0.00020; 1000 Genomes Project 30x 0.00031; gnomAD 0.00047; TOPMed 0.00071; ESP Exome Variant Server 0.00077.

Submissions (2):

Labcorp Genetics (formerly Invitae), Labcorp
Classification: Uncertain significance. Last evaluated: 2026-01-27. Review status: criteria provided, single submitter. Criteria: Invitae Variant Classification Sherloc (09022015). Collection method: clinical testing. Allele origin: germline.
Comment: This sequence change replaces arginine, which is basic and polar, with tryptophan, which is neutral and slightly polar, at codon 403 of the EIF2AK1 protein (p.Arg403Trp). This variant is present in population databases (rs141016436, gnomAD 0.2%), and has an allele count higher than expected for a pathogenic variant. This variant has not been reported in the literature in individuals affected with EIF2AK1-related conditions. ClinVar contains an entry for this variant (Variation ID: 2193607). An algorithm developed to predict the effect of missense changes on protein structure and function (PolyPhen-2) suggests that this variant is likely to be disruptive. In summary, the available evidence is currently insufficient to determine the role of this variant in disease. Therefore, it has been classified as a Variant of Uncertain Significance.

Ambry Genetics
Classification: Uncertain significance. Last evaluated: 2022-04-22. Review status: criteria provided, single submitter. Criteria: Ambry Variant Classification Scheme 2023. Collection method: clinical testing. Allele origin: germline.

NM_014413.4(EIF2AK1):c.1207C>T (p.Arg403Trp)

Gene: EIF2AK1 (eukaryotic translation initiation factor 2 alpha kinase 1; minus strand). Cytogenetic location: 7p22.1.
Variant type: single nucleotide variant.
Coding change: c.1207C>T on transcript NM_014413.4 (MANE Select); coding-DNA position 1207, C replaced by T.
Protein change: p.Arg403Trp; replaces arginine 403 with tryptophan.
Molecular consequence: missense variant.
Genome position (GRCh38, 1-based): chr7:6,038,584, G>A on the plus strand (C>T on the coding strand, the complement: EIF2AK1 is on the minus strand). VCF-style: chr7-6038584-G-A. GRCh37 (hg19) VCF-style: chr7-6078215-G-A.
Other names: c.1207C>T (NM_014413.3); c.1204C>T, p.Arg402Trp (NM_001134335.2); short protein forms R402W, R403W.
Identifiers: ClinVar variation 2193607 (VCV002193607.5), dbSNP rs141016436, ClinGen allele CA4150920.